The following is an entry in ClinVar:

ClinVar aggregate classification (germline): Pathogenic (1 of 4 stars; one submission).

Conditions:
Neurofibromatosis, type 1 (NF1). Also called: VON RECKLINGHAUSEN DISEASE; NEUROFIBROMATOSIS, TYPE I, SOMATIC; Peripheral type neurofibromatosis; Neurofibromatosis, type I. Identifiers: Orphanet 636, MedGen C0027831, MONDO:0018975, OMIM 162200. Disease mechanism: loss of function.

Submission:

Labcorp Genetics (formerly Invitae), Labcorp
Classification: Pathogenic for Neurofibromatosis, type 1. Last evaluated: 2023-08-30. Review status: criteria provided, single submitter. Criteria: Invitae Variant Classification Sherloc (09022015). Collection method: clinical testing. Allele origin: germline.
Comment: This variant is not present in population databases (gnomAD no frequency). This sequence change creates a premature translational stop signal (p.Arg711Profs*37) in the NF1 gene. It is expected to result in an absent or disrupted protein product. Loss-of-function variants in NF1 are known to be pathogenic (PMID: 10712197, 23913538). This variant has not been reported in the literature in individuals affected with NF1-related conditions. For these reasons, this variant has been classified as Pathogenic.

Literature cited by the submitters: PubMed 10712197; PubMed 23913538.

NM_001042492.3(NF1):c.2132del (p.Arg711fs)

Gene: NF1 (neurofibromin 1; plus strand). Cytogenetic location: 17q11.2.
Variant type: Deletion.
Coding change: c.2132del on transcript NM_001042492.3 (MANE Select); coding-DNA position 2132, one base deleted (G; older notation c.2132delG).
Protein change: p.Arg711fs; shifts the reading frame from arginine 711.
Molecular consequence: frameshift variant.
Genome position (GRCh38, 1-based): chr17:31,226,565, G deleted. VCF-style (leftmost placement, unchanged base first): chr17-31226564-CG-C. GRCh37 (hg19) VCF-style: chr17-29553582-CG-C.
Other names: c.2132delG, p.Arg711Profs (NM_000267.4); short protein forms R711fs.
Identifiers: ClinVar variation 2756637 (VCV002756637.3), dbSNP rs2508156671, ClinGen allele CA2697559711.